The following is an entry in ClinVar:

ClinVar aggregate classification (germline): Uncertain significance. Review status: criteria provided, multiple submitters, no conflicts (2 of 4 stars). 3 submissions from 3 submitters: Uncertain significance (3). Last evaluated 2024-07-10.

Conditions:
Hereditary cancer-predisposing syndrome. Also called: Tumor predisposition; Hereditary neoplastic syndrome; Neoplastic Syndromes, Hereditary; Hereditary Cancer Syndrome. Identifiers: Orphanet 140162, MedGen C0027672, MeSH D009386, MONDO:0015356.
Rhabdoid tumor predisposition syndrome 2 (RTPS2). Identifiers: Orphanet 231108, Orphanet 69077, MedGen C2750074, MONDO:0013224, OMIM 613325.
Intellectual disability, autosomal dominant 16 (CSS4). Also called: COFFIN-SIRIS SYNDROME 4. Identifiers: Orphanet 1465, MedGen C3553249, MONDO:0013821, OMIM 614609.

Allele frequency attached by ClinVar (database versions not stated): gnomAD exomes below 0.00001; TOPMed below 0.00001; ExAC 0.00001; gnomAD 0.00001.
gnomAD v4.1: 3 of 1,614,072 alleles (0.00019%); highest among the groups gnomAD compares: East Asian, 0.0022%; no homozygotes.

Submissions (3):

Ambry Genetics
Classification: Uncertain significance for Hereditary cancer-predisposing syndrome. Last evaluated: 2024-07-10. Review status: criteria provided, single submitter. Criteria: Ambry Variant Classification Scheme 2023. Collection method: clinical testing. Allele origin: germline.
Comment: The p.I402V variant (also known as c.1204A>G), located in coding exon 6 of the SMARCA4 gene, results from an A to G substitution at nucleotide position 1204. The isoleucine at codon 402 is replaced by valine, an amino acid with highly similar properties. This amino acid position is well conserved in available vertebrate species. In addition, this alteration is predicted to be tolerated by in silico analysis. Missense and in-frame variants in SMARCA4 are known to cause neurodevelopmental disorders; however, such associations with rhabdoid tumor predisposition syndrome including small cell carcinoma of the ovary-hypercalcemic type (SCCOHT) are exceedingly rare (Kosho T et al. Am J Med Genet C Semin Med Genet. 2014 Sep;166C(3):262-75; Jelinic P et al. Nat Genet. 2014 May;46(5):424-6). Based on the supporting evidence, the association of this alteration with Coffin-Siris syndrome is unknown; however, the association of this alteration with rhabdoid tumor predisposition syndrome is unlikely.

Labcorp Genetics (formerly Invitae), Labcorp
Classification: Uncertain significance for Rhabdoid tumor predisposition syndrome 2. Last evaluated: 2023-06-05. Review status: criteria provided, single submitter. Criteria: Invitae Variant Classification Sherloc (09022015). Collection method: clinical testing. Allele origin: germline.
Comment: This sequence change replaces isoleucine, which is neutral and non-polar, with valine, which is neutral and non-polar, at codon 402 of the SMARCA4 protein (p.Ile402Val). This variant is present in population databases (rs750861625, gnomAD 0.003%). This variant has not been reported in the literature in individuals affected with SMARCA4-related conditions. ClinVar contains an entry for this variant (Variation ID: 818587). Advanced modeling of protein sequence and biophysical properties (such as structural, functional, and spatial information, amino acid conservation, physicochemical variation, residue mobility, and thermodynamic stability) performed at Invitae indicates that this missense variant is not expected to disrupt SMARCA4 protein function. In summary, the available evidence is currently insufficient to determine the role of this variant in disease. Therefore, it has been classified as a Variant of Uncertain Significance.

Genome-Nilou Lab
Classification: Uncertain significance for Intellectual disability, autosomal dominant 16. Last evaluated: 2021-07-15. Review status: criteria provided, single submitter. Criteria: ACMG Guidelines, 2015. Collection method: clinical testing. Allele origin: germline. Affected: no.

NM_003072.5(SMARCA4):c.1204A>G (p.Ile402Val)

Gene: SMARCA4 (SWI/SNF related BAF chromatin remodeling complex subunit ATPase 4; plus strand). Cytogenetic location: 19p13.2.
Variant type: single nucleotide variant.
Coding change: c.1204A>G on transcript NM_003072.5 (MANE Select); coding-DNA position 1204, A replaced by G.
Protein change: p.Ile402Val; replaces isoleucine 402 with valine.
Molecular consequence: missense variant. On other transcripts: non-coding transcript variant (1).
Genome position (GRCh38, 1-based): chr19:10,989,402, A>G. VCF-style: chr19-10989402-A-G. GRCh37 (hg19) VCF-style: chr19-11100078-A-G.
Other names: c.1204A>G, p.Ile402Val (NM_001128844.3, NM_001128845.2, NM_001128846.2 and 4 more transcripts); short protein forms I402V.
Identifiers: ClinVar variation 818587 (VCV000818587.17), dbSNP rs750861625, ClinGen allele CA9203715.